The following is an entry in ClinVar:

NM_000179.3(MSH6):c.3576T>C (p.Val1192=)

Gene: MSH6 (mutS homolog 6; plus strand). Cytogenetic location: 2p16.3.
Variant type: single nucleotide variant.
Coding change: c.3576T>C on transcript NM_000179.3 (MANE Select); coding-DNA position 3576, T replaced by C.
Protein change: p.Val1192=; no amino-acid change (valine 1192 retained).
Molecular consequence: synonymous variant.
Genome position (GRCh38, 1-based): chr2:47,805,637, T>C. VCF-style: chr2-47805637-T-C. GRCh37 (hg19) VCF-style: chr2-48032776-T-C.
Other names: c.3186T>C, p.Val1062= (NM_001281492.2); c.2670T>C, p.Val890= (NM_001281493.2, NM_001281494.2).
Identifiers: ClinVar variation 798652 (VCV000798652.10), dbSNP rs1572741773, ClinGen allele CA425997267.

ClinVar aggregate classification (germline): Benign/Likely benign. Review status: criteria provided, multiple submitters, no conflicts (2 of 4 stars). 2 submissions from 2 submitters: Benign (1); Likely benign (1). Last evaluated 2025-01-07.

Conditions:
Hereditary nonpolyposis colorectal neoplasms. Identifiers: MedGen C0009405, MeSH D003123.
Lynch syndrome 5 (LYNCH5). Also called: Hereditary non-polyposis colorectal cancer, type 5; Colorectal cancer, hereditary nonpolyposis, type 5. Identifiers: Orphanet 144, MedGen C1833477, MONDO:0013710, OMIM 614350. Disease mechanism: loss of function.

Submissions (2):

Myriad Genetics, Inc.
Classification: Benign for Lynch syndrome 5. Last evaluated: 2025-01-07. Review status: criteria provided, single submitter. Criteria: Myriad Autosomal Dominant, Autosomal Recessive and X-Linked Classification Criteria (2023). Collection method: clinical testing. Allele origin: unknown.
Comment: This variant is considered benign. This variant is a silent/synonymous amino acid change and it is not expected to impact splicing.

Labcorp Genetics (formerly Invitae), Labcorp
Classification: Likely benign for Hereditary nonpolyposis colorectal neoplasms. Last evaluated: 2018-12-06. Review status: criteria provided, single submitter. Criteria: Invitae Variant Classification Sherloc (09022015). Collection method: clinical testing. Allele origin: germline.